The following is an entry in ClinVar:

ClinVar aggregate classification (germline): Uncertain significance. Review status: criteria provided, multiple submitters, no conflicts (2 of 4 stars). 2 submissions from 2 submitters: Uncertain significance (2). Last evaluated 2022-06-19.

Allele frequency attached by ClinVar (database versions not stated): TOPMed below 0.00001.

Submissions (2):

Labcorp Genetics (formerly Invitae), Labcorp
Classification: Uncertain significance. Last evaluated: 2022-06-19. Review status: criteria provided, single submitter. Criteria: Invitae Variant Classification Sherloc (09022015). Collection method: clinical testing. Allele origin: germline.
Comment: This variant is not present in population databases (gnomAD no frequency). This sequence change replaces valine, which is neutral and non-polar, with leucine, which is neutral and non-polar, at codon 394 of the LRP5 protein (p.Val394Leu). This variant has not been reported in the literature in individuals affected with LRP5-related conditions. Advanced modeling of protein sequence and biophysical properties (such as structural, functional, and spatial information, amino acid conservation, physicochemical variation, residue mobility, and thermodynamic stability) performed at Invitae indicates that this missense variant is not expected to disrupt LRP5 protein function. In summary, the available evidence is currently insufficient to determine the role of this variant in disease. Therefore, it has been classified as a Variant of Uncertain Significance.

Blueprint Genetics
Classification: Uncertain significance. Last evaluated: 2021-08-28. Review status: criteria provided, single submitter. Criteria: ACMG Guidelines, 2015. Collection method: clinical testing. Allele origin: germline.

NM_002335.4(LRP5):c.1180G>T (p.Val394Leu)

Gene: LRP5 (LDL receptor related protein 5; plus strand). Cytogenetic location: 11q13.2.
Variant type: single nucleotide variant.
Coding change: c.1180G>T on transcript NM_002335.4 (MANE Select); coding-DNA position 1180, G replaced by T.
Protein change: p.Val394Leu; replaces valine 394 with leucine.
Molecular consequence: missense variant. On other transcripts: 5 prime UTR variant (1).
Genome position (GRCh38, 1-based): chr11:68,386,480, G>T. VCF-style: chr11-68386480-G-T. GRCh37 (hg19) VCF-style: chr11-68153948-G-T.
Other names: c.-586G>T (NM_001291902.2); short protein forms V394L.
Identifiers: ClinVar variation 2008363 (VCV002008363.5), dbSNP rs2098643101, ClinGen allele CA381612411.
Genomic context (GRCh38, chr11:68,386,480, plus strand): 5'-CACGCCATTGCCATCGACTACGACCCGCTAGAGGGCTATGTCTACTGGACAGATGACGAG[G>T]TGCGGGCCATCCGCAGGGCGTACCTGGACGGGTCTGGGGCGCAGACGCTGGTCAACACCG-3'
Protein context (NP_002326.2, residues 384-404): EGYVYWTDDE[Val394Leu]RAIRRAYLDG